The following is an entry in ClinVar:

NM_000051.4(ATM):c.3118A>G (p.Met1040Val)

Gene: ATM (ATM serine/threonine kinase; plus strand). Cytogenetic location: 11q22.3.
Variant type: single nucleotide variant.
Coding change: c.3118A>G on transcript NM_000051.4 (MANE Select); coding-DNA position 3118, A replaced by G.
Protein change: p.Met1040Val; replaces methionine 1040 with valine.
Molecular consequence: missense variant.
Genome position (GRCh38, 1-based): chr11:108,272,572, A>G. VCF-style: chr11-108272572-A-G. GRCh37 (hg19) VCF-style: chr11-108143299-A-G.
Other names: p.M1040V:ATG>GTG; NM_000051.3(ATM):c.3118A>G; NP_000042.3:p.Met1040Val; c.3118A>G, p.Met1040Val (NM_001351834.2); short protein forms M1040V.
Identifiers: ClinVar variation 3027 (VCV000003027.75), dbSNP rs3092857, ClinGen allele CA151920.

ClinVar aggregate classification (germline): Benign. Review status: reviewed by expert panel (3 of 4 stars). 32 submissions from 32 submitters: Benign (1). 31 of the submissions do not count toward it. Last evaluated 2022-03-09.

Conditions:
ATM-related cancer predisposition. Also called: ATM-related cancer susceptibility. Identifiers: MedGen CN377759, MONDO:0700270.
Breast and/or ovarian cancer. Identifiers: MedGen CN221562.
Hereditary cancer-predisposing syndrome. Also called: Neoplastic Syndromes, Hereditary; Tumor predisposition; Hereditary Cancer Syndrome; Hereditary neoplastic syndrome. Identifiers: Orphanet 140162, MedGen C0027672, MeSH D009386, MONDO:0015356.
Hereditary breast ovarian cancer syndrome. Also called: Hereditary breast and/or ovarian cancer syndrome; Hereditary breast and ovarian cancer; Hereditary breast and ovarian cancer syndrome (HBOC); Breast and ovarian cancer; BRCA1- and BRCA2-Associated Hereditary Breast and Ovarian Cancer; Hereditary breast and ovarian cancer syndrome. Identifiers: Orphanet 145, MedGen C0677776, MeSH D061325, MONDO:0003582. Disease mechanism: loss of function.
Ataxia-telangiectasia syndrome (AT). Also called: Ataxia-telangiectasia, complementation group E; LOUIS-BAR SYNDROME; Ataxia-telangiectasia; Cerebello-oculocutaneous telangiectasia; Immunodeficiency with ataxia telangiectasia; ATAXIA-TELANGIECTASIA, FRESNO VARIANT. Identifiers: Orphanet 100, MedGen C0004135, MONDO:0008840, OMIM 208900.
B-cell non-Hodgkin lymphoma. Identifiers: Orphanet 171915, MedGen CN228979, MONDO:0015759.
Familial cancer of breast. Also called: Hereditary breast cancer; BREAST CANCER, FAMILIAL; hereditary breast carcinoma. Identifiers: Orphanet 227535, MedGen C0346153, MONDO:0016419, OMIM 114480. Disease mechanism: loss of function.

Allele frequency attached by ClinVar (database versions not stated): gnomAD exomes 0.00104 and 0.00307; ExAC 0.00370; gnomAD 0.01159 and 0.01233; TOPMed 0.01321; 1000 Genomes Project 30x 0.01359; 1000 Genomes Project 0.01418.

Submissions 1 to 16 of 32:

ClinGen Hereditary Breast, Ovarian and Pancreatic Cancer Variant Curation Expert Panel, ClinGen
Classification: Benign for ATM-related cancer predisposition. Last evaluated: 2022-03-09. Review status: reviewed by expert panel. Criteria: clingen hbop acmg specifications atm v1-1. Collection method: curation. Allele origin: germline. Inheritance: Autosomal dominant inheritance.
Comment: The ATM c.3118A>G (p.Met1040Val) variant has a GnomAD (v2.1.1) filtering allele frequency of 4.2% (AFR) which is above the ATM BA1 threshold of 0.5% (BA1). This variant has been observed in a homozygous state in multiple individuals without Ataxia-Telangiectasia (BP2_Strong, GTR Lab IDs: 500031, 61756). In silico protein predictors (BayesDel, score:-0.45, AGVGD, Class C0) predict that this alteration is not deleterious (BP4). In summary, this variant meets criteria to be classified as benign. ACMG/AMP criteria applied, as specified by the HBOP Variant Curation Expert Panel.

Labcorp Genetics (formerly Invitae), Labcorp
Classification: Benign for Ataxia-telangiectasia syndrome. Last evaluated: 2026-02-04. Review status: criteria provided, single submitter. Criteria: Invitae Variant Classification Sherloc (09022015). Collection method: clinical testing. Allele origin: germline. Not counted in ClinVar's aggregate classification.

ARUP Laboratories, Molecular Genetics and Genomics, ARUP Laboratories
Classification: Benign. Last evaluated: 2025-06-04. Review status: criteria provided, single submitter. Criteria: ARUP Molecular Germline Variant Investigation Process 2024. Collection method: clinical testing. Allele origin: germline. Not counted in ClinVar's aggregate classification.

CeGaT Center for Human Genetics Tuebingen
Classification: Benign. Last evaluated: 2025-06-01. Review status: criteria provided, single submitter. Criteria: CeGaT Center For Human Genetics Tuebingen Variant Classification Criteria Version 2. Collection method: clinical testing. Allele origin: germline. Affected: yes. Observed: 1 variant allele. Not counted in ClinVar's aggregate classification.
Comment: ATM: BP4, BS1, BS2

Center for Genomic Medicine, Rigshospitalet, Copenhagen University Hospital
Classification: Benign. Last evaluated: 2025-03-04. Review status: criteria provided, single submitter. Criteria: ACMG Guidelines, 2015. Collection method: clinical testing. Allele origin: germline. Not counted in ClinVar's aggregate classification.

Myriad Genetics, Inc.
Classification: Benign for Familial cancer of breast. Last evaluated: 2024-05-13. Review status: criteria provided, single submitter. Criteria: Myriad Autosomal Dominant, Autosomal Recessive and X-Linked Classification Criteria (2023). Collection method: clinical testing. Allele origin: unknown. Not counted in ClinVar's aggregate classification.
Comment: This variant is considered benign. This variant has been observed at a population frequency that is significantly greater than expected given the associated disease prevalence and penetrance. This variant is strongly associated with less severe personal and family histories of cancer, typical for individuals without pathogenic variants in this gene [PMID: 25085752].

Mayo Clinic Laboratories, Mayo Clinic
Classification: Benign. Last evaluated: 2023-12-12. Review status: criteria provided, single submitter. Criteria: ACMG Guidelines, 2015. Collection method: clinical testing. Allele origin: germline. Observed: 16 variant alleles. Not counted in ClinVar's aggregate classification.
Comment: BA1, BP4

Athena Diagnostics
Classification: Benign. Last evaluated: 2023-11-21. Review status: criteria provided, single submitter. Criteria: Athena Diagnostics Criteria. Collection method: clinical testing. Allele origin: unknown. Not counted in ClinVar's aggregate classification.

National Health Laboratory Service, Universitas Academic Hospital and University of the Free State
Classification: Benign for Hereditary breast ovarian cancer syndrome. Last evaluated: 2022-04-19. Review status: criteria provided, single submitter. Criteria: ACMG Guidelines, 2015. Collection method: clinical testing. Allele origin: germline. Affected: yes. Observed: 12 variant alleles. Not counted in ClinVar's aggregate classification.

CHEO Genetics Diagnostic Laboratory, Children's Hospital of Eastern Ontario
Classification: Benign for Breast and/or ovarian cancer. Last evaluated: 2020-06-16. Review status: criteria provided, single submitter. Criteria: ACMG Guidelines, 2015. Collection method: clinical testing. Allele origin: germline. Not counted in ClinVar's aggregate classification.

Illumina Laboratory Services, Illumina
Classification: Benign for Ataxia-telangiectasia syndrome. Last evaluated: 2018-01-13. Review status: criteria provided, single submitter. Criteria: ICSL Variant Classification Criteria 13 December 2019. Collection method: clinical testing. Allele origin: germline. Not counted in ClinVar's aggregate classification.
Comment: This variant was observed in the ICSL laboratory as part of a predisposition screen in an ostensibly healthy population. It had not been previously curated by ICSL or reported in the Human Gene Mutation Database (HGMD: prior to June 1st, 2018), and was therefore a candidate for classification through an automated scoring system. Utilizing variant allele frequency, disease prevalence and penetrance estimates, and inheritance mode, an automated score was calculated to assess if this variant is too frequent to cause the disease. Based on the score and internal cut-off values, a variant classified as benign is not then subjected to further curation. The score for this variant resulted in a classification of benign for this disease.

Institute for Biomarker Research, Medical Diagnostic Laboratories, L.L.C.
Classification: Likely benign for Hereditary cancer-predisposing syndrome. Last evaluated: 2017-02-14. Review status: criteria provided, single submitter. Criteria: ACMG Guidelines, 2015. Collection method: clinical testing. Allele origin: germline. Not counted in ClinVar's aggregate classification.

Women's Health and Genetics/Laboratory Corporation of America, LabCorp
Classification: Benign. Last evaluated: 2016-06-06. Review status: criteria provided, single submitter. Criteria: LabCorp Variant Classification Summary - May 2015. Collection method: clinical testing. Allele origin: germline. Not counted in ClinVar's aggregate classification.
Comment: Variant summary: The ATM c.3118A>G (p.Met1040Val) variant involves the alteration of a non-conserved nucleotide. 3/3 in silico tools predict a benign outcome for this variant (SNPs&GO not captured due to low reliability index). This variant was found in 459/122598 control chromosomes (10 homozygotes), predominantly observed in the African subpopulation at a frequency of 0.0413846 (428/10342, 10 homozygotes). This frequency is about 10 times the estimated maximal expected allele frequency of a pathogenic ATM variant (0.0039528), suggesting this is likely a benign polymorphism found primarily in the populations of African origin. Variant has been reported by multiple studies in both patients and healthy controls, supporting the non-pathogenic nature of this variant. In addition, multiple clinical diagnostic laboratories classified this variant as benign. Considering the high allele frequency of the variant and the homozygous occurrences in the African subpopulation, it was classified as Benign.

Center for Pediatric Genomic Medicine, Children's Mercy Hospital and Clinics
Classification: Likely benign. Last evaluated: 2015-08-19. Review status: criteria provided, single submitter. Criteria: ACMG Guidelines, 2015. Collection method: clinical testing. Allele origin: germline. Not counted in ClinVar's aggregate classification.
ClinVar note: Converted during submission from Likely Benign to Likely benign.

Color Diagnostics, LLC DBA Color Health
Classification: Benign for Hereditary cancer-predisposing syndrome. Last evaluated: 2015-02-14. Review status: criteria provided, single submitter. Criteria: ACMG Guidelines, 2015. Collection method: clinical testing. Allele origin: germline. Not counted in ClinVar's aggregate classification.

Ambry Genetics
Classification: Benign for Hereditary cancer-predisposing syndrome. Last evaluated: 2014-11-21. Review status: criteria provided, single submitter. Criteria: Ambry Variant Classification Scheme 2023. Collection method: clinical testing. Allele origin: germline. Not counted in ClinVar's aggregate classification.